The following is an entry in ClinVar:

NM_000023.4(SGCA):c.348_352dup (p.Gln118fs)

Gene: SGCA (sarcoglycan alpha; plus strand). Cytogenetic location: 17q21.33.
Variant type: Duplication.
Coding change: c.348_352dup on transcript NM_000023.4 (MANE Select); coding-DNA positions 348 to 352, 5 bases duplicated (TCGGC; older notation c.348_352dupTCGGC).
Protein change: p.Gln118fs; shifts the reading frame from glutamine 118.
Molecular consequence: frameshift variant. On other transcripts: non-coding transcript variant (1).
Genome position (GRCh38, 1-based): chr17:50,167,982-50,167,986, TCGGC duplicated; duplicating any 5 consecutive bases within chr17:50,167,981-50,167,986 gives the same sequence; the c. name uses the placement nearest the transcript's 3' end. VCF-style (leftmost placement, unchanged base first): chr17-50167980-A-ACTCGG. GRCh37 (hg19) VCF-style: chr17-48245341-A-ACTCGG.
Other names: c.348_352dupTCGGC (NM_000023.3, NM_000023.2); c.348_352dup, p.Gln118fs (NM_001135697.3); short protein forms Q118fs.
Identifiers: ClinVar variation 471332 (VCV000471332.19), dbSNP rs752640127, ClinGen allele CA8643774.

ClinVar aggregate classification (germline): Pathogenic. Review status: criteria provided, multiple submitters, no conflicts (2 of 4 stars). 6 submissions from 6 submitters: Pathogenic (6). Last evaluated 2025-12-15.

Conditions:
SGCA-related disorder. Also called: SGCA-related condition.
Autosomal recessive limb-girdle muscular dystrophy type 2D (LGMDR3). Also called: DUCHENNE-LIKE AUTOSOMAL RECESSIVE MUSCULAR DYSTROPHY, TYPE 2; MUSCULAR DYSTROPHY, LIMB-GIRDLE, AUTOSOMAL RECESSIVE 3; ADHALINOPATHY, PRIMARY. Identifiers: Orphanet 62, MedGen C2936332, MONDO:0011968, OMIM 608099. Disease mechanism: Affects gamma-sarcoglycan and also disrupts the integrity of the entire sarcoglycan complex..

Submissions (6):

Labcorp Genetics (formerly Invitae), Labcorp
Classification: Pathogenic for Autosomal recessive limb-girdle muscular dystrophy type 2D. Last evaluated: 2025-12-15. Review status: criteria provided, single submitter. Criteria: Invitae Variant Classification Sherloc (09022015). Collection method: clinical testing. Allele origin: germline.
Comment: This sequence change creates a premature translational stop signal (p.Gln118Leufs*95) in the SGCA gene. It is expected to result in an absent or disrupted protein product. Loss-of-function variants in SGCA are known to be pathogenic (PMID: 9192266). This variant is present in population databases (rs752640127, gnomAD 0.01%). This premature translational stop signal has been observed in individual(s) with SGCA-related conditions (PMID: 9032047). This variant is also known as "duplication of 347-351". ClinVar contains an entry for this variant (Variation ID: 471332). For these reasons, this variant has been classified as Pathogenic.

Natera, Inc.
Classification: Pathogenic for Limb-girdle muscular dystrophy type 2D. Last evaluated: 2025-07-07. Review status: criteria provided, single submitter. Criteria: Natera Variant Classification Schema (03/2026). Collection method: clinical testing. Allele origin: germline.
Comment: The c.348_352dupTCGGC variant in SGCA is a frameshift variant predicted to shift the reading frame beginning at codon 118 and leads to a stop codon 95 codons downstream. This variant is expected to result in nonsense mediated decay, truncation, or a dysfunctional protein product. This variant is rare in the general population with a frequency below the threshold expected for the associated phenotype(s). This variant has been observed in one or more individuals affected with the associated recessive disease, as either homozygous or compound heterozygous with a second variant (PMID: 18996010). Given the available evidence, this variant is classified as Pathogenic.

Blueprint Genetics
Classification: Pathogenic for SGCA-related disorders. Last evaluated: 2024-07-11. Review status: criteria provided, single submitter. Criteria: ACMG Guidelines, 2015. Collection method: clinical testing. Allele origin: germline. Affected: yes. Observed: 3 variant alleles.

Fulgent Genetics
Classification: Pathogenic for Autosomal recessive limb-girdle muscular dystrophy type 2D. Last evaluated: 2024-06-06. Review status: criteria provided, single submitter. Criteria: ACMG Guidelines, 2015. Collection method: clinical testing. Allele origin: germline.

Genome-Nilou Lab
Classification: Pathogenic for Autosomal recessive limb-girdle muscular dystrophy type 2D. Last evaluated: 2023-02-08. Review status: criteria provided, single submitter. Criteria: ACMG Guidelines, 2015. Collection method: clinical testing. Allele origin: germline.

Clinical Genetics and Genomics, Karolinska University Hospital
Classification: Pathogenic. Last evaluated: 2018-11-20. Review status: criteria provided, single submitter. Criteria: ACMG Guidelines, 2015. Collection method: clinical testing. Allele origin: germline. Affected: yes. Observed: 1 variant allele.

Literature cited by the submitters: PubMed 9192266 (cited by Labcorp Genetics (formerly Invitae), Labcorp); PubMed 9032047 (cited by Labcorp Genetics (formerly Invitae), Labcorp); PubMed 18996010 (cited by Natera, Inc.).